The following is an entry in ClinVar:

NM_000552.5(VWF):c.7682T>A (p.Phe2561Tyr)

Gene: VWF (von Willebrand factor; minus strand). Cytogenetic location: 12p13.31.
Variant type: single nucleotide variant.
Coding change: c.7682T>A on transcript NM_000552.5 (MANE Select); coding-DNA position 7682, T replaced by A.
Protein change: p.Phe2561Tyr; replaces phenylalanine 2561 with tyrosine.
Molecular consequence: missense variant.
Genome position (GRCh38, 1-based): chr12:5,969,258, A>T on the plus strand (T>A on the coding strand, the complement: VWF is on the minus strand). VCF-style: chr12-5969258-A-T. GRCh37 (hg19) VCF-style: chr12-6078424-A-T.
Other names: p.Phe2561Tyr; c.7682T>A (NM_000552.4); short protein forms F2561Y.
Identifiers: ClinVar variation 256698 (VCV000256698.52), dbSNP rs35335161, ClinGen allele CA6401588.
Genomic context (GRCh38, chr12:5,969,258, plus strand): 5'-CTGCATGCCTTACCACAGCGACAGCTTGGGCAGCACGCTGAGGTCTTACAGCTCAGCTGA[A>T]AGCCCGAGGGGCAGACAGGGACCTCCAGCTGGGGGCAGGAGACGTTCCTTTGTTGTATAA-3'
Protein context (NP_000543.3, residues 2551-2571): QLEVPVCPSG[Phe2561Tyr]QLSCKTSACC

ClinVar aggregate classification (germline): Benign/Likely benign. Review status: criteria provided, multiple submitters, no conflicts (2 of 4 stars). 8 submissions from 6 submitters: Benign (5); Likely benign (3). Last evaluated 2025-03-05.

Conditions:
von Willebrand disease type 2 (VWD2). Also called: VON WILLEBRAND DISEASE, TYPE 2A/IIE; VON WILLEBRAND DISEASE, TYPE 2CB; VON WILLEBRAND DISEASE, TYPE II; VWD, TYPE 2. Identifiers: Orphanet 166081, Orphanet 903, MedGen C1264040, MONDO:0013304, OMIM 613554.
von Willebrand disease type 1 (VWD1). Also called: VON WILLEBRAND DISEASE, TYPE I; VWD, TYPE 1. Identifiers: Orphanet 166078, Orphanet 903, MedGen C1264039, MONDO:0008668, OMIM 193400. Inheritance: autosomal recessive or autosomal dominant.
von Willebrand disease type 3 (VWD3). Also called: Type 3 Von Willebrand's disease; Type 3 VWD; Von Willebrand disease, severe form; V WD3; VON WILLEBRAND DISEASE, TYPE III. Identifiers: Orphanet 166096, MedGen C1264041, MONDO:0010191, OMIM 277480.

Allele frequency attached by ClinVar (database versions not stated): gnomAD 0.04046 and 0.03879; gnomAD exomes 0.04394 and 0.03730; 1000 Genomes Project 0.01957; 1000 Genomes Project 30x 0.02030; TOPMed 0.03551; ESP Exome Variant Server 0.03829; ExAC 0.03876.
gnomAD v4.1: 69,750 of 1,614,120 alleles (4.3%); highest among the groups gnomAD compares: Non-Finnish European, 4.9%; 1,725 homozygotes.

Submissions (8):

Mayo Clinic Laboratories, Mayo Clinic
Classification: Likely benign. Last evaluated: 2025-03-05. Review status: criteria provided, single submitter. Criteria: ACMG Guidelines, 2015. Collection method: clinical testing. Allele origin: germline. Observed: 64 variant alleles.
Comment: BS1, BP4_moderate

Genome-Nilou Lab
Classification: Benign for von Willebrand disease type 1. Last evaluated: 2021-12-05. Review status: criteria provided, single submitter. Criteria: ACMG Guidelines, 2015. Collection method: clinical testing. Allele origin: germline. Affected: no.

Genome-Nilou Lab
Classification: Benign for von Willebrand disease type 3. Last evaluated: 2021-12-05. Review status: criteria provided, single submitter. Criteria: ACMG Guidelines, 2015. Collection method: clinical testing. Allele origin: germline. Affected: no.

Genome-Nilou Lab
Classification: Benign for von Willebrand disease type 2. Last evaluated: 2021-12-05. Review status: criteria provided, single submitter. Criteria: ACMG Guidelines, 2015. Collection method: clinical testing. Allele origin: germline. Affected: no.

CeGaT Center for Human Genetics Tuebingen
Classification: Likely benign. Last evaluated: 2019-05-01. Review status: criteria provided, single submitter. Criteria: CeGaT Center For Human Genetics Tuebingen Variant Classification Criteria Version 2. Collection method: clinical testing. Allele origin: germline. Affected: yes. Observed: 1 variant allele.

GeneDx
Classification: Benign. Last evaluated: 2019-04-19. Review status: criteria provided, single submitter. Criteria: GeneDx Variant Classification Process June 2021. Collection method: clinical testing. Allele origin: germline. Affected: yes.
Comment: This variant is associated with the following publications: (PMID: 30366922)

Breakthrough Genomics
Classification: Likely benign. Review status: criteria provided, single submitter. Criteria: ACMG Guidelines, 2015. Collection method: not provided. Allele origin: germline. Inheritance: Autosomal recessive inheritance. Affected: yes.

PreventionGenetics, part of Exact Sciences
Classification: Benign. Review status: criteria provided, single submitter. Criteria: ACMG Guidelines, 2015. Collection method: clinical testing. Allele origin: germline.